The following is an entry in ClinVar:

ClinVar aggregate classification (germline): Conflicting classifications of pathogenicity. Review status: criteria provided, conflicting classifications (1 of 4 stars). 4 submissions from 4 submitters: Uncertain significance (3); Likely benign (1). Last evaluated 2026-02-04.

Conditions:
SPG11-related disorder. Also called: SPG11-related condition.
Hereditary spastic paraplegia 11. Also called: Spastic Paraplegia 11; SPASTIC PARAPLEGIA, AUTOSOMAL RECESSIVE, COMPLICATED, WITH THIN CORPUS CALLOSUM; SPASTIC PARAPLEGIA, AUTOSOMAL RECESSIVE, WITH MENTAL IMPAIRMENT AND THIN CORPUS CALLOSUM; Spastic paraplegia, mental retardation and thin corpus callosum; Nakamura Osame syndrome; Autosomal recessive hereditary spastic paraplegia, mental impairment, and thin corpus callosum. Identifiers: Orphanet 2822, MedGen C1858479, MONDO:0011445, OMIM 604360.

Allele frequency attached by ClinVar (database versions not stated): gnomAD below 0.00001 and 0.00005; TOPMed below 0.00001; gnomAD exomes 0.00008 and 0.00012; ExAC 0.00013.
gnomAD v4.1: 123 of 1,614,164 alleles (0.0076%); highest among the groups gnomAD compares: South Asian, 0.13%; 2 homozygotes.

Submissions (4):

Labcorp Genetics (formerly Invitae), Labcorp
Classification: Likely benign for Hereditary spastic paraplegia 11. Last evaluated: 2026-02-04. Review status: criteria provided, single submitter. Criteria: Invitae Variant Classification Sherloc (09022015). Collection method: clinical testing. Allele origin: germline.

Mayo Clinic Laboratories, Mayo Clinic
Classification: Uncertain significance. Last evaluated: 2025-08-07. Review status: criteria provided, single submitter. Criteria: ACMG Guidelines, 2015. Collection method: clinical testing. Allele origin: germline. Observed: 1 variant allele.
Comment: BS1

PreventionGenetics, part of Exact Sciences
Classification: Uncertain significance for SPG11-related condition. Last evaluated: 2024-11-08. Review status: criteria provided, single submitter. Criteria: ACMG Guidelines, 2015. Collection method: clinical testing. Allele origin: germline.
Comment: The SPG11 c.3595T>G variant is predicted to result in the amino acid substitution p.Phe1199Val. To our knowledge, this variant has not been reported in the literature. This variant is reported in 0.10% of alleles in individuals of South Asian descent in gnomAD. Although we suspect that this variant may be benign, at this time, the clinical significance of this variant is uncertain due to the absence of conclusive functional and genetic evidence.

GeneDx
Classification: Uncertain significance. Last evaluated: 2024-10-11. Review status: criteria provided, single submitter. Criteria: GeneDx Variant Classification Process June 2021. Collection method: clinical testing. Allele origin: germline. Affected: yes.
Comment: In silico analysis supports that this missense variant has a deleterious effect on protein structure/function; Has not been previously published as pathogenic or benign to our knowledge

NM_025137.4(SPG11):c.3595T>G (p.Phe1199Val)

Gene: SPG11 (SPG11 vesicle trafficking associated, spatacsin; minus strand). Cytogenetic location: 15q21.1.
Variant type: single nucleotide variant.
Coding change: c.3595T>G on transcript NM_025137.4 (MANE Select); coding-DNA position 3595, T replaced by G.
Protein change: p.Phe1199Val; replaces phenylalanine 1199 with valine.
Molecular consequence: missense variant.
Genome position (GRCh38, 1-based): chr15:44,600,558, A>C on the plus strand (T>G on the coding strand, the complement: SPG11 is on the minus strand). VCF-style: chr15-44600558-A-C. GRCh37 (hg19) VCF-style: chr15-44892756-A-C.
Other names: p.Phe1199Val; c.3595T>G, p.Phe1199Val (NM_001160227.2); short protein forms F1199V.
Identifiers: ClinVar variation 967610 (VCV000967610.11), dbSNP rs774716138, ClinGen allele CA7534895.